The following is an entry in ClinVar:

ClinVar aggregate classification (germline): Uncertain significance. Review status: criteria provided, multiple submitters, no conflicts (2 of 4 stars). 2 submissions from 2 submitters: Uncertain significance (2). Last evaluated 2025-04-18.

Conditions:
Cardiovascular phenotype. Identifiers: MedGen CN230736.
Dilated cardiomyopathy 1DD (CMD1DD). Identifiers: Orphanet 154, MedGen C2750995, MONDO:0013168, OMIM 613172.

Allele frequency attached by ClinVar (database versions not stated): TOPMed below 0.00001.

Submissions (2):

Labcorp Genetics (formerly Invitae), Labcorp
Classification: Uncertain significance for Dilated cardiomyopathy 1DD. Last evaluated: 2025-04-18. Review status: criteria provided, single submitter. Criteria: Invitae Variant Classification Sherloc (09022015). Collection method: clinical testing. Allele origin: germline.
Comment: This sequence change replaces glutamic acid, which is acidic and polar, with glutamine, which is neutral and polar, at codon 354 of the RBM20 protein (p.Glu354Gln). This variant is not present in population databases (gnomAD no frequency). This variant has not been reported in the literature in individuals affected with RBM20-related conditions. ClinVar contains an entry for this variant (Variation ID: 2449392). Invitae Evidence Modeling of protein sequence and biophysical properties (such as structural, functional, and spatial information, amino acid conservation, physicochemical variation, residue mobility, and thermodynamic stability) indicates that this missense variant is not expected to disrupt RBM20 protein function with a negative predictive value of 95%. In summary, the available evidence is currently insufficient to determine the role of this variant in disease. Therefore, it has been classified as a Variant of Uncertain Significance.

Ambry Genetics
Classification: Uncertain significance for Cardiovascular phenotype. Last evaluated: 2022-12-31. Review status: criteria provided, single submitter. Criteria: Ambry Variant Classification Scheme 2023. Collection method: clinical testing. Allele origin: germline.
Comment: The p.E354Q variant (also known as c.1060G>C), located in coding exon 2 of the RBM20 gene, results from a G to C substitution at nucleotide position 1060. The glutamic acid at codon 354 is replaced by glutamine, an amino acid with highly similar properties. This amino acid position is conserved. In addition, the in silico prediction for this alteration is inconclusive. Since supporting evidence is limited at this time, the clinical significance of this alteration remains unclear.

NM_001134363.3(RBM20):c.1060G>C (p.Glu354Gln)

Gene: RBM20 (RNA binding motif protein 20; plus strand). Cytogenetic location: 10q25.2.
Variant type: single nucleotide variant.
Coding change: c.1060G>C on transcript NM_001134363.3 (MANE Select); coding-DNA position 1060, G replaced by C.
Protein change: p.Glu354Gln; replaces glutamic acid 354 with glutamine.
Molecular consequence: missense variant.
Genome position (GRCh38, 1-based): chr10:110,781,669, G>C. VCF-style: chr10-110781669-G-C. GRCh37 (hg19) VCF-style: chr10-112541427-G-C.
Other names: short protein forms E354Q.
Identifiers: ClinVar variation 2449392 (VCV002449392.3), dbSNP rs1293204983, ClinGen allele CA378385481.
Genomic context (GRCh38, chr10:110,781,669, plus strand): 5'-ACAGCAGGTCCCATGTGGCCTCCACCCCACAACCAGCCCTATGAGCTGTACGACCCCGAG[G>C]AACCAACCTCAGACAGGACACCTCCTTCCTTCGGGGGTCGGCTTAACAACAGCAAACAGG-3'
Protein context (NP_001127835.2, residues 344-364): NQPYELYDPE[Glu354Gln]PTSDRTPPSF